The following is an entry in ClinVar:

ClinVar aggregate classification (germline): Uncertain significance (1 of 4 stars; one submission).

Conditions:
Juvenile polyposis syndrome (JPS). Identifiers: Orphanet 2929, MedGen C0345893, MONDO:0017380, OMIM 174900.

Submission:

Labcorp Genetics (formerly Invitae), Labcorp
Classification: Uncertain significance for Juvenile polyposis syndrome. Last evaluated: 2023-12-30. Review status: criteria provided, single submitter. Criteria: Invitae Variant Classification Sherloc (09022015). Collection method: clinical testing. Allele origin: germline.
Comment: This variant, c.1585_1590del, results in the deletion of 2 amino acid(s) of the SMAD4 protein (p.Leu529_His530del), but otherwise preserves the integrity of the reading frame. This variant is not present in population databases (gnomAD no frequency). This variant has not been reported in the literature in individuals affected with SMAD4-related conditions. Experimental studies and prediction algorithms are not available or were not evaluated, and the functional significance of this variant is currently unknown. In summary, the available evidence is currently insufficient to determine the role of this variant in disease. Therefore, it has been classified as a Variant of Uncertain Significance.

NM_005359.6(SMAD4):c.1585_1590del (p.Leu529_His530del)

Gene: SMAD4 (SMAD family member 4; plus strand). Cytogenetic location: 18q21.2.
Variant type: Deletion.
Coding change: c.1585_1590del on transcript NM_005359.6 (MANE Select); coding-DNA positions 1585 to 1590, 6 bases deleted (TTACAC; older notation c.1585_1590delTTACAC).
Protein change: p.Leu529_His530del.
Molecular consequence: inframe deletion. On other transcripts: non-coding transcript variant (1).
Genome position (GRCh38, 1-based): chr18:51,078,393-51,078,398, TTACAC deleted; deleting any 6 consecutive bases within chr18:51,078,390-51,078,398 gives the same sequence; the c. name uses the placement nearest the transcript's 3' end. VCF-style (leftmost placement, unchanged base first): chr18-51078389-TCACTTA-T. GRCh37 (hg19) VCF-style: chr18-48604759-TCACTTA-T.
Other names: c.1585_1590del, p.Leu529_His530del (NM_001407041.1, NM_001407042.1).
Identifiers: ClinVar variation 2706400 (VCV002706400.3), dbSNP rs2511391365, ClinGen allele CA2697555510.